The following is an entry in ClinVar:

NM_001267550.2(TTN):c.9290T>C (p.Leu3097Pro)

Gene: TTN (titin; minus strand). Cytogenetic location: 2q31.2.
Variant type: single nucleotide variant.
Coding change: c.9290T>C on transcript NM_001267550.2 (MANE Select); coding-DNA position 9290, T replaced by C.
Protein change: p.Leu3097Pro; replaces leucine 3097 with proline.
Molecular consequence: missense variant.
Genome position (GRCh38, 1-based): chr2:178,768,029, A>G on the plus strand (T>C on the coding strand, the complement: TTN is on the minus strand). VCF-style: chr2-178768029-A-G. GRCh37 (hg19) VCF-style: chr2-179632756-A-G.
Other names: p.L3097P:CTG>CCG; c.9290T>C, p.Leu3097Pro (NM_001256850.1, NM_133378.4, NM_133379.5); c.9152T>C, p.Leu3051Pro (NM_003319.4, NM_133432.3, NM_133437.4); short protein forms L3097P, L3051P.
Identifiers: ClinVar variation 47630 (VCV000047630.18), dbSNP rs373366126, ClinGen allele CA141544.
Genomic context (GRCh38, chr2:178,768,029, plus strand): 5'-AGGAAACTGGGAATTACTGGAATGTAGCAAGACAAAACAACTGACCTGTCTGTGATCTGC[A>G]GTTCCTGGTCATCTTTCATCCACTGTACAGTGATGTCAGGTTCAGAAACTTCACATTCAA-3'
Protein context (NP_001254479.2, residues 3087-3107): TVQWMKDDQE[Leu3097Pro]QITDRIKIQK

ClinVar aggregate classification (germline): Conflicting classifications of pathogenicity. Review status: criteria provided, conflicting classifications (1 of 4 stars). 11 submissions from 7 submitters: Uncertain significance (8); Benign (1); Likely benign (2). Last evaluated 2026-06-08.

Conditions:
TTN-related disorder. Also called: TTN-related condition; TTN-related disease; TTN-related disorders.
Autosomal recessive limb-girdle muscular dystrophy type 2J (LGMDR10). Also called: Limb-girdle muscular dystrophy, type 2J; MUSCULAR DYSTROPHY, LIMB-GIRDLE, AUTOSOMAL RECESSIVE 10. Identifiers: Orphanet 140922, MedGen C1837342, MONDO:0012127, OMIM 608807.
Dilated cardiomyopathy 1G (CMD1G). Identifiers: Orphanet 154, MedGen C1858763, MONDO:0011400, OMIM 604145.
Early-onset myopathy with fatal cardiomyopathy (CMYO5). Also called: Salih Myopathy; CONGENITAL MYOPATHY 5 WITH CARDIOMYOPATHY. Identifiers: Orphanet 289377, MedGen C2673677, MONDO:0012714, OMIM 611705. Disease mechanism: loss of function.
Myopathy, myofibrillar, 9, with early respiratory failure (MFM9). Also called: Hereditary myopathy with early respiratory failure; EDSTROM MYOPATHY; MYOPATHY, PROXIMAL, WITH EARLY RESPIRATORY MUSCLE INVOLVEMENT; Myopathy, distal, with early respiratory failure, autosomal dominant. Identifiers: Orphanet 178464, Orphanet 34521, MedGen C1863599, MONDO:0011362, OMIM 603689.
Tibial muscular dystrophy (TMD). Also called: Tibial muscular dystrophy, tardive; UDD MYOPATHY; Udd Distal Myopathy – Tibial Muscular Dystrophy. Identifiers: Orphanet 609, MedGen C1838244, MONDO:0010870, OMIM 600334.

Allele frequency attached by ClinVar (database versions not stated): TOPMed 0.00006; ESP Exome Variant Server 0.00008.
gnomAD v4.1: 193 of 1,614,032 alleles (0.012%); highest among the groups gnomAD compares: Non-Finnish European, 0.016%; no homozygotes.

Submissions (11):

PreventionGenetics, part of Exact Sciences
Classification: Uncertain significance for TTN-related condition. Last evaluated: 2026-06-08. Review status: criteria provided, single submitter. Criteria: ACMG Guidelines, 2015. Collection method: clinical testing. Allele origin: germline.
Comment: The TTN c.9290T>C variant is predicted to result in the amino acid substitution p.Leu3097Pro. This variant was reported in an individual with breast cancer (Aloraifi et al. 2015. PubMed ID: 26094658) and in both one case and one control individual in a cohort of patients with dilated cardiomyopathy (Table S3 & S4, Mazzarotto et al. 2020. PubMed ID: 31983221). This variant is reported in 0.0054% of alleles in individuals of European (Non-Finnish) descent in gnomAD. At this time, the clinical significance of this variant is uncertain due to the absence of conclusive functional and genetic evidence.

Women's Health and Genetics/Laboratory Corporation of America, LabCorp
Classification: Uncertain significance. Last evaluated: 2022-10-10. Review status: criteria provided, single submitter. Criteria: LabCorp Variant Classification Summary - May 2015. Collection method: clinical testing. Allele origin: germline.
Comment: Variant summary: TTN c.9290T>C (p.Leu3097Pro) results in a non-conservative amino acid change located in the I-band of the encoded protein sequence. Five of five in-silico tools predict a damaging effect of the variant on protein function. The variant allele was found at a frequency of 2.8e-05 in 251182 control chromosomes. The available data on variant occurrences in the general population are insufficient to allow any conclusion about variant significance. c.9290T>C has been reported in the literature in individuals affected with Dilated Cardiomyopathy, without strong evidence for causality (Mazzarotto_2020). This report does not provide unequivocal conclusions about association of the variant with Dilated Cardiomyopathy. To our knowledge, no experimental evidence demonstrating an impact on protein function has been reported. Six clinical diagnostic laboratories have submitted clinical-significance assessments for this variant to ClinVar after 2014 without evidence for independent evaluation. Three submitters classified the variant as likely benign/benign while three classified as VUS. Based on the evidence outlined above, the variant was classified as uncertain significance.

Mayo Clinic Laboratories, Mayo Clinic
Classification: Uncertain significance. Last evaluated: 2021-05-13. Review status: criteria provided, single submitter. Criteria: ACMG Guidelines, 2015. Collection method: clinical testing. Allele origin: germline.

GeneDx
Classification: Likely benign. Last evaluated: 2018-07-10. Review status: criteria provided, single submitter. Criteria: GeneDx Variant Classification Process June 2021. Collection method: clinical testing. Allele origin: germline. Affected: yes.
Comment: This variant is associated with the following publications: (PMID: 26094658, 31983221)

Illumina Laboratory Services, Illumina
Classification: Uncertain significance for Autosomal recessive limb-girdle muscular dystrophy type 2J. Last evaluated: 2017-10-12. Review status: criteria provided, single submitter. Criteria: ICSL Variant Classification Criteria 13 December 2019. Collection method: clinical testing. Allele origin: germline.

Illumina Laboratory Services, Illumina
Classification: Likely benign for Myopathy, myofibrillar, 9, with early respiratory failure. Last evaluated: 2017-10-12. Review status: criteria provided, single submitter. Criteria: ICSL Variant Classification Criteria 13 December 2019. Collection method: clinical testing. Allele origin: germline.
Comment: This variant was observed as part of a predisposition screen in an ostensibly healthy population. A literature search was performed for the gene, cDNA change, and amino acid change (where applicable). No publications were found based on this search. Allele frequency data from public databases allowed determination this variant is unlikely to cause disease. Therefore, this variant is classified as likely benign.

Illumina Laboratory Services, Illumina
Classification: Uncertain significance for Dilated cardiomyopathy 1G. Last evaluated: 2017-10-12. Review status: criteria provided, single submitter. Criteria: ICSL Variant Classification Criteria 13 December 2019. Collection method: clinical testing. Allele origin: germline.

Illumina Laboratory Services, Illumina
Classification: Benign for Tibial muscular dystrophy. Last evaluated: 2017-10-12. Review status: criteria provided, single submitter. Criteria: ICSL Variant Classification Criteria 13 December 2019. Collection method: clinical testing. Allele origin: germline.
Comment: This variant was observed as part of a predisposition screen in an ostensibly healthy population. A literature search was performed for the gene, cDNA change, and amino acid change (where applicable). No publications were found based on this search. Allele frequency data from public databases was too high to be consistent with this variant causing disease. Therefore, this variant is classified as benign.

Illumina Laboratory Services, Illumina
Classification: Uncertain significance for Early-onset myopathy with fatal cardiomyopathy. Last evaluated: 2017-10-12. Review status: criteria provided, single submitter. Criteria: ICSL Variant Classification Criteria 13 December 2019. Collection method: clinical testing. Allele origin: germline.

Labcorp Genetics (formerly Invitae), Labcorp
Classification: Uncertain significance for Dilated cardiomyopathy 1G; Autosomal recessive limb-girdle muscular dystrophy type 2J. Last evaluated: 2016-10-10. Review status: criteria provided, single submitter. Criteria: Invitae Variant Classification Sherloc (09022015). Collection method: clinical testing. Allele origin: germline.

Laboratory for Molecular Medicine, Mass General Brigham Personalized Medicine
Classification: Uncertain significance. Last evaluated: 2013-06-13. Review status: criteria provided, single submitter. Criteria: LMM Criteria. Collection method: clinical testing. Allele origin: germline. Observed: 2 variant alleles.
Comment: In addition, this variant has also been identified in 1/8600 European American chromosomes by the NHLBI Exome Sequencing Project (/EVS/). Computational analyses (biochemical amino acid properties, conservation, AlignGVGD, PolyPhen2, and SIFT) suggest that this variant may impact the protei n, though this information is not predictive enough to determine pathogenicity. Additional information is needed to fully assess the clinical significance of th is variant.

Literature cited by the submitters: PubMed 31983221 (cited by Women's Health and Genetics/Laboratory Corporation of America, LabCorp).